The following is an entry in ClinVar:

NM_006852.6(TLK2):c.363+10C>T

Gene: TLK2 (tousled like kinase 2; plus strand). Cytogenetic location: 17q23.2.
Variant type: single nucleotide variant.
Coding change: c.363+10C>T on transcript NM_006852.6 (MANE Select); 10 bases into the intron after coding-DNA position 363, C replaced by T.
Molecular consequence: intron variant.
Genome position (GRCh38, 1-based): chr17:62,524,341, C>T. VCF-style: chr17-62524341-C-T. GRCh37 (hg19) VCF-style: chr17-60601702-C-T.
Other names: c.363+10C>T (NM_001375271.1, NM_001375270.1, NM_001438205.1 and 1 more transcripts); c.267+1164C>T (NM_001438204.1, NM_001375272.1, NM_001411074.1 and 2 more transcripts); c.-85+1164C>T (NM_001375273.1, NM_001330418.3); c.405+1164C>T (NM_001375269.1).
Identifiers: ClinVar variation 4883305 (VCV004883305.2).

ClinVar aggregate classification (germline): Uncertain significance (1 of 4 stars; one submission).

gnomAD v4.1: 1 of 1,601,972 alleles (0.000062%); highest among the groups gnomAD compares: Admixed American, 0.0017%; no homozygotes.

Submission:

Dasa
Classification: Uncertain significance. Last evaluated: 2025-10-17. Review status: criteria provided, single submitter. Criteria: DASA Assertion Criteria. Collection method: clinical testing. Allele origin: germline.
Comment: NM_006852.6(TLK2):c.363+10C>T is a splice-region variant. This variant is rare in population databases. Computational prediction algorithms are consistent with a benign effect. The currently available literature and clinical evidence are not sufficient to establish a definitive association between this variant and the reported condition. Therefore, this variant is classified as a variant of uncertain significance.